The following is an entry in ClinVar:

ClinVar aggregate classification (germline): Benign. Review status: criteria provided, multiple submitters, no conflicts (2 of 4 stars). 2 submissions from 2 submitters: Benign (2). Last evaluated 2026-02-04.

Allele frequency attached by ClinVar (database versions not stated): 1000 Genomes Project 0.04253; 1000 Genomes Project 30x 0.04341; ExAC 0.05810; gnomAD exomes 0.05896 and 0.06717; TOPMed 0.06109; gnomAD 0.06147 and 0.06250; ESP Exome Variant Server 0.06812.
gnomAD v4.1: 105,828 of 1,586,902 alleles (6.7%); highest among the groups gnomAD compares: Non-Finnish European, 7.2%; 3,936 homozygotes.

Submissions (2):

Labcorp Genetics (formerly Invitae), Labcorp
Classification: Benign. Last evaluated: 2026-02-04. Review status: criteria provided, single submitter. Criteria: Invitae Variant Classification Sherloc (09022015). Collection method: clinical testing. Allele origin: germline.

GeneDx
Classification: Benign. Last evaluated: 2013-11-15. Review status: criteria provided, single submitter. Criteria: GeneDx Variant Classification (06012015). Collection method: clinical testing. Allele origin: germline. Affected: yes.
Comment: This variant is considered likely benign or benign based on one or more of the following criteria: it is a conservative change, it occurs at a poorly conserved position in the protein, it is predicted to be benign by multiple in silico algorithms, and/or has population frequency not consistent with disease.

NM_020117.11(LARS1):c.295-11A>G

Gene: LARS1 (leucyl-tRNA synthetase 1; minus strand). Cytogenetic location: 5q32.
Variant type: single nucleotide variant.
Coding change: c.295-11A>G on transcript NM_020117.11 (MANE Select); 11 bases into the intron before coding-DNA position 295, A replaced by G.
Molecular consequence: intron variant.
Genome position (GRCh38, 1-based): chr5:146,168,276, T>C on the plus strand (A>G on the coding strand, the complement: LARS1 is on the minus strand). VCF-style: chr5-146168276-T-C. GRCh37 (hg19) VCF-style: chr5-145547839-T-C.
Other names: c.133-11A>G (NM_001317965.2); c.214-11A>G (NM_016460.4); c.294+3634A>G (NM_001317964.2).
Identifiers: ClinVar variation 138080 (VCV000138080.9), dbSNP rs72822293, ClinGen allele CA291873.
Genomic context (GRCh38, chr5:146,168,276, plus strand): 5'-GGGGGGCAACCATACAGCTCTATTTCTCTTTTCAACTTATCAGCACATGCCTACAACGAA[T>C]ATTAGAGATAATGAAGTTCAAAATCAAGGTAGACACAATTTCAGTTTTTTACTGTTTTTA-3'